The following is an entry in ClinVar:

NM_017617.5(NOTCH1):c.566G>C (p.Cys189Ser)

Gene: NOTCH1 (notch receptor 1; minus strand). Cytogenetic location: 9q34.3.
Variant type: single nucleotide variant.
Coding change: c.566G>C on transcript NM_017617.5 (MANE Select); coding-DNA position 566, G replaced by C.
Protein change: p.Cys189Ser; replaces cysteine 189 with serine.
Molecular consequence: missense variant.
Genome position (GRCh38, 1-based): chr9:136,523,026, C>G on the plus strand (G>C on the coding strand, the complement: NOTCH1 is on the minus strand). VCF-style: chr9-136523026-C-G. GRCh37 (hg19) VCF-style: chr9-139417478-C-G.
Other names: short protein forms C189S.
Identifiers: ClinVar variation 4801899 (VCV004801899.1).
Genomic context (GRCh38, chr9:136,523,026, plus strand): 5'-GTGGCGCGGCAGACGCAGCGGTAGGAGCCGACCTCGTTGTGGCAGGTGCCTCCGTGGCGG[C>G]AAAGCCCGGGCTTCTGGCCACACTCGTTGACATCCTGCCGGCAGGTGGGGCCATGGAAGC-3'
Protein context (NP_060087.3, residues 179-199): VNECGQKPGL[Cys189Ser]RHGGTCHNEV

ClinVar aggregate classification (germline): Uncertain significance (1 of 4 stars; one submission).

Conditions:
Adams-Oliver syndrome 5 (AOS5). Identifiers: Orphanet 974, MedGen C4014970, MONDO:0014459, OMIM 616028.

Submission:

Labcorp Genetics (formerly Invitae), Labcorp
Classification: Uncertain significance for Adams-Oliver syndrome 5. Last evaluated: 2025-12-16. Review status: criteria provided, single submitter. Criteria: Invitae Variant Classification Sherloc (09022015). Collection method: clinical testing. Allele origin: germline.
Comment: This sequence change replaces cysteine, which is neutral and slightly polar, with serine, which is neutral and polar, at codon 189 of the NOTCH1 protein (p.Cys189Ser). This variant is not present in population databases (gnomAD no frequency). This variant has not been reported in the literature in individuals affected with NOTCH1-related conditions. Invitae Evidence Modeling of protein sequence and biophysical properties (such as structural, functional, and spatial information, amino acid conservation, physicochemical variation, residue mobility, and thermodynamic stability) indicates that this missense variant is expected to disrupt NOTCH1 protein function with a positive predictive value of 95%. In summary, the available evidence is currently insufficient to determine the role of this variant in disease. Therefore, it has been classified as a Variant of Uncertain Significance.